The following is an entry in ClinVar:

ClinVar aggregate classification (germline): Uncertain significance (1 of 4 stars; one submission).

gnomAD v4.1: 16 of 1,612,710 alleles (0.00099%); highest among the groups gnomAD compares: Non-Finnish European, 0.0014%; no homozygotes.

Submission:

Labcorp Genetics (formerly Invitae), Labcorp
Classification: Uncertain significance. Last evaluated: 2025-08-04. Review status: criteria provided, single submitter. Criteria: Invitae Variant Classification Sherloc (09022015). Collection method: clinical testing. Allele origin: germline.
Comment: This sequence change falls in intron 24 of the NALCN gene. It does not directly change the encoded amino acid sequence of the NALCN protein. This variant is present in population databases (rs373002374, gnomAD 0.002%). This variant has not been reported in the literature in individuals affected with NALCN-related conditions. Algorithms developed to predict the effect of sequence changes on RNA splicing suggest that this variant may disrupt the consensus splice site. In summary, the available evidence is currently insufficient to determine the role of this variant in disease. Therefore, it has been classified as a Variant of Uncertain Significance.

NM_052867.4(NALCN):c.2758-12T>A

Gene: NALCN (sodium leak channel, non-selective; minus strand). Cytogenetic location: 13q33.1.
Variant type: single nucleotide variant.
Coding change: c.2758-12T>A on transcript NM_052867.4 (MANE Select); 12 bases into the intron before coding-DNA position 2758, T replaced by A.
Molecular consequence: intron variant.
Genome position (GRCh38, 1-based): chr13:101,104,438, A>T on the plus strand (T>A on the coding strand, the complement: NALCN is on the minus strand). VCF-style: chr13-101104438-A-T. GRCh37 (hg19) VCF-style: chr13-101756789-A-T.
Other names: c.2671-12T>A (NM_001350751.2, NM_001350750.2); c.2758-12T>A (NM_001350749.2); c.2845-12T>A (NM_001350748.2).
Identifiers: ClinVar variation 4697427 (VCV004697427.1).
Genomic context (GRCh38, chr13:101,104,438, plus strand): 5'-TCAGATTAAGCTCAATGCTCATGAATATCACAAACACATACTCAGCAATCTGAAACGGGC[A>T]AAAGGCAGTTTGGTTACAATGAACGGAAAAACAGCAGGTCAGTATTTTACCTCCTAGTTG-3'